The following is an entry in ClinVar:

NM_021625.5(TRPV4):c.1982G>A (p.Arg661His)

Gene: TRPV4 (transient receptor potential cation channel subfamily V member 4; minus strand). Cytogenetic location: 12q24.11.
Variant type: single nucleotide variant.
Coding change: c.1982G>A on transcript NM_021625.5 (MANE Select); coding-DNA position 1982, G replaced by A.
Protein change: p.Arg661His; replaces arginine 661 with histidine.
Molecular consequence: missense variant.
Genome position (GRCh38, 1-based): chr12:109,788,626, C>T on the plus strand (G>A on the coding strand, the complement: TRPV4 is on the minus strand). VCF-style: chr12-109788626-C-T. GRCh37 (hg19) VCF-style: chr12-110226431-C-T.
Other names: c.1841G>A, p.Arg614His (NM_001177428.2); c.1880G>A, p.Arg627His (NM_001177431.2); c.1661G>A, p.Arg554His (NM_001177433.2); c.1802G>A, p.Arg601His (NM_147204.3); short protein forms R554H, R601H, R614H, R627H, R661H.
Identifiers: ClinVar variation 1016391 (VCV001016391.8), dbSNP rs368448939, ClinGen allele CA6780039.

ClinVar aggregate classification (germline): Uncertain significance. Review status: criteria provided, multiple submitters, no conflicts (2 of 4 stars). 3 submissions from 3 submitters: Uncertain significance (3). Last evaluated 2026-01-26.

Conditions:
Inborn genetic diseases. Identifiers: MedGen C0950123, MeSH D030342.
Charcot-Marie-Tooth disease axonal type 2C (HMSN2C). Also called: Charcot-Marie-Tooth Disease Type 2, TRPV4-Related (CMT2C); CHARCOT-MARIE-TOOTH DISEASE, AXONAL, AUTOSOMAL DOMINANT, TYPE 2C; Charcot-Marie-Tooth Neuropathy Type 2C. Identifiers: Orphanet 99937, MedGen C1853710, MONDO:0011633, OMIM 606071.

Allele frequency attached by ClinVar (database versions not stated): TOPMed 0.00001; gnomAD exomes 0.00002 and 0.00003; ExAC 0.00005; gnomAD 0.00006; ESP Exome Variant Server 0.00008.
gnomAD v4.1: 33 of 1,614,104 alleles (0.002%); highest among the groups gnomAD compares: Admixed American, 0.0033%; no homozygotes.

Submissions (3):

Labcorp Genetics (formerly Invitae), Labcorp
Classification: Uncertain significance for Charcot-Marie-Tooth disease axonal type 2C. Last evaluated: 2026-01-26. Review status: criteria provided, single submitter. Criteria: Invitae Variant Classification Sherloc (09022015). Collection method: clinical testing. Allele origin: germline.
Comment: This sequence change replaces arginine, which is basic and polar, with histidine, which is basic and polar, at codon 661 of the TRPV4 protein (p.Arg661His). This variant is present in population databases (rs368448939, gnomAD 0.008%). This variant has not been reported in the literature in individuals affected with TRPV4-related conditions. ClinVar contains an entry for this variant (Variation ID: 1016391). Invitae Evidence Modeling of protein sequence and biophysical properties (such as structural, functional, and spatial information, amino acid conservation, physicochemical variation, residue mobility, and thermodynamic stability) has been performed for this missense variant. However, the output from this modeling did not meet the statistical confidence thresholds required to predict the impact of this variant on TRPV4 protein function. In summary, the available evidence is currently insufficient to determine the role of this variant in disease. Therefore, it has been classified as a Variant of Uncertain Significance.

Athena Diagnostics
Classification: Uncertain significance. Last evaluated: 2023-10-27. Review status: criteria provided, single submitter. Criteria: Athena Diagnostics Criteria. Collection method: clinical testing. Allele origin: unknown.
Comment: Available data are insufficient to determine the clinical significance of the variant at this time. The frequency of this variant in the general population is higher than would generally be expected for pathogenic variants in this gene. Computational tools predict that this variant is damaging.

Ambry Genetics
Classification: Uncertain significance for Inborn genetic diseases. Last evaluated: 2019-08-26. Review status: criteria provided, single submitter. Criteria: Ambry Variant Classification Scheme 2023. Collection method: clinical testing. Allele origin: germline.
Comment: The p.R661H variant (also known as c.1982G>A), located in coding exon 12 of the TRPV4 gene, results from a G to A substitution at nucleotide position 1982. The arginine at codon 661 is replaced by histidine, an amino acid with highly similar properties. This amino acid position is highly conserved in available vertebrate species. In addition, the in silico prediction for this alteration is inconclusive. Since supporting evidence is limited at this time, the clinical significance of this alteration remains unclear.